The following is an entry in ClinVar:

ClinVar aggregate classification (germline): Uncertain significance (1 of 4 stars; one submission).

Conditions:
Brachyolmia-amelogenesis imperfecta syndrome. Also called: PLATYSPONDYLY WITH AMELOGENESIS IMPERFECTA; Tooth agenesis, selective, 6; Dental anomalies and short stature. Identifiers: Orphanet 2899, MedGen C1832594, MONDO:0011018, OMIM 601216. Disease mechanism: loss of function.

Submission:

Labcorp Genetics (formerly Invitae), Labcorp
Classification: Uncertain significance for Brachyolmia-amelogenesis imperfecta syndrome. Last evaluated: 2022-02-08. Review status: criteria provided, single submitter. Criteria: Invitae Variant Classification Sherloc (09022015). Collection method: clinical testing. Allele origin: germline.
Comment: This sequence change replaces methionine, which is neutral and non-polar, with leucine, which is neutral and non-polar, at codon 998 of the LTBP3 protein (p.Met998Leu). This variant is not present in population databases (gnomAD no frequency). This variant has not been reported in the literature in individuals affected with LTBP3-related conditions. Algorithms developed to predict the effect of missense changes on protein structure and function (SIFT, PolyPhen-2, Align-GVGD) all suggest that this variant is likely to be tolerated. In summary, the available evidence is currently insufficient to determine the role of this variant in disease. Therefore, it has been classified as a Variant of Uncertain Significance.

NM_001130144.3(LTBP3):c.2992A>T (p.Met998Leu)

Genes: LTBP3 (latent transforming growth factor beta binding protein 3; minus strand), LOC121832793 (Sharpr-MPRA regulatory region 4001; plus strand). Cytogenetic location: 11q13.1.
Variant type: single nucleotide variant.
Coding change: c.2992A>T on transcript NM_001130144.3 (MANE Select); coding-DNA position 2992, A replaced by T.
Protein change: p.Met998Leu; replaces methionine 998 with leucine.
Molecular consequence: missense variant.
Genome position (GRCh38, 1-based): chr11:65,540,600, T>A on the plus strand (A>T on the coding strand, the complement: LTBP3 is on the minus strand). VCF-style: chr11-65540600-T-A. GRCh37 (hg19) VCF-style: chr11-65308071-T-A.
Other names: c.2641A>T, p.Met881Leu (NM_001164266.1); c.2992A>T, p.Met998Leu (NM_021070.4); short protein forms M998L, M881L.
Identifiers: ClinVar variation 1385530 (VCV001385530.6), dbSNP rs780796970, ClinGen allele CA381267910.